The following is an entry in ClinVar:

ClinVar aggregate classification (germline): Conflicting classifications of pathogenicity. Review status: criteria provided, conflicting classifications (1 of 4 stars). 7 submissions from 7 submitters: Uncertain significance (6); Likely benign (1). Last evaluated 2026-01-04.

Conditions:
Jeune thoracic dystrophy. Also called: Short-rib thoracic dysplasia; Jeune syndrome; Infantile thoracic dystrophy; Thoracic pelvic phalangeal dystrophy; Jeune's syndrome; Chondroectodermal dysplasia-like syndrome. Identifiers: Orphanet 474, MedGen C0265275, MONDO:0018770.
Asphyxiating thoracic dystrophy 3. Also called: POLYDACTYLY WITH NEONATAL CHONDRODYSTROPHY, TYPE I; SHORT-RIB THORACIC DYSPLASIA 3 WITH OR WITHOUT POLYDACTYLY; SHORT-RIB THORACIC DYSPLASIA 3/6 WITH POLYDACTYLY, DIGENIC; Short rib polydactyly syndrome 2B; Saldino-Noonan Syndrome. Identifiers: Orphanet 474, Orphanet 93269, Orphanet 93270, Orphanet 93271, MedGen C0036069, MONDO:0013127, OMIM 613091.
DYNC2H1-related disorder. Also called: DYNC2H1-related condition; DYNC2H1-related disorders. Identifiers: MedGen CN378770.
Inborn genetic diseases. Identifiers: MedGen C0950123, MeSH D030342.

Allele frequency attached by ClinVar (database versions not stated): gnomAD exomes 0.00007 and 0.00014; ESP Exome Variant Server 0.00008; ExAC 0.00010; gnomAD 0.00010 and 0.00012; TOPMed 0.00017; 1000 Genomes Project 0.00060; 1000 Genomes Project 30x 0.00062.
gnomAD v4.1: 119 of 1,606,390 alleles (0.0074%); highest among the groups gnomAD compares: Admixed American, 0.039%; no homozygotes.

Submissions (7):

Labcorp Genetics (formerly Invitae), Labcorp
Classification: Likely benign for Jeune thoracic dystrophy. Last evaluated: 2026-01-04. Review status: criteria provided, single submitter. Criteria: Invitae Variant Classification Sherloc (09022015). Collection method: clinical testing. Allele origin: germline.

PreventionGenetics, part of Exact Sciences
Classification: Uncertain significance for DYNC2H1-related condition. Last evaluated: 2025-07-03. Review status: criteria provided, single submitter. Criteria: ACMG Guidelines, 2015. Collection method: clinical testing. Allele origin: germline.
Comment: The DYNC2H1 c.10897G>A variant is predicted to result in the amino acid substitution p.Val3633Met. To our knowledge, this variant has not been reported in the literature. This variant is reported in 0.046% of alleles in individuals of Latino descent in gnomAD. At this time, the clinical significance of this variant is uncertain due to the absence of conclusive functional and genetic evidence.

GeneDx
Classification: Uncertain significance. Last evaluated: 2024-12-23. Review status: criteria provided, single submitter. Criteria: GeneDx Variant Classification Process June 2021. Collection method: clinical testing. Allele origin: germline. Affected: yes.
Comment: In silico analysis indicates that this missense variant does not alter protein structure/function; Has not been previously published as pathogenic or benign to our knowledge

Ambry Genetics
Classification: Uncertain significance for Inborn genetic diseases. Last evaluated: 2024-04-09. Review status: criteria provided, single submitter. Criteria: Ambry Variant Classification Scheme 2023. Collection method: clinical testing. Allele origin: germline.

Blueprint Genetics
Classification: Uncertain significance. Last evaluated: 2024-01-23. Review status: criteria provided, single submitter. Criteria: ACMG Guidelines, 2015. Collection method: clinical testing. Allele origin: germline.

Genetic Services Laboratory, University of Chicago
Classification: Uncertain significance. Last evaluated: 2018-03-28. Review status: criteria provided, single submitter. Criteria: ACMG Guidelines, 2015. Collection method: clinical testing. Allele origin: germline. Affected: no.

Illumina Laboratory Services, Illumina
Classification: Uncertain significance for Asphyxiating thoracic dystrophy 3. Last evaluated: 2018-01-13. Review status: criteria provided, single submitter. Criteria: ICSL Variant Classification Criteria 13 December 2019. Collection method: clinical testing. Allele origin: germline.

NM_001377.3(DYNC2H1):c.10876G>A (p.Val3626Met)

Gene: DYNC2H1 (dynein cytoplasmic 2 heavy chain 1; plus strand). Cytogenetic location: 11q22.3.
Variant type: single nucleotide variant.
Coding change: c.10876G>A on transcript NM_001377.3 (MANE Select); coding-DNA position 10876, G replaced by A.
Protein change: p.Val3626Met; replaces valine 3626 with methionine.
Molecular consequence: missense variant.
Genome position (GRCh38, 1-based): chr11:103,283,071, G>A. VCF-style: chr11-103283071-G-A. GRCh37 (hg19) VCF-style: chr11-103153800-G-A.
Other names: c.10897G>A, p.Val3633Met (NM_001080463.2); short protein forms V3633M, V3626M.
Identifiers: ClinVar variation 302099 (VCV000302099.23), dbSNP rs201852557, ClinGen allele CA6255093.